The following is an entry in ClinVar:

ClinVar aggregate classification (germline): Uncertain significance (1 of 4 stars; one submission).

Submission:

Ambry Genetics
Classification: Uncertain significance. Last evaluated: 2025-09-22. Review status: criteria provided, single submitter. Criteria: Ambry Variant Classification Scheme 2023. Collection method: clinical testing. Allele origin: germline.
Comment: The p.V2137A variant (also known as c.6410T>C), located in coding exon 27 of the WNK2 gene, results from a T to C substitution at nucleotide position 6410. The valine at codon 2137 is replaced by alanine, an amino acid with similar properties. This amino acid position is conserved. In addition, this alteration is predicted to be tolerated by in silico analysis. Based on the available evidence, the clinical significance of this variant remains unclear.

NM_006648.4(WNK2):c.6410T>C (p.Val2137Ala)

Gene: WNK2 (WNK lysine deficient protein kinase 2; plus strand). Cytogenetic location: 9q22.31.
Variant type: single nucleotide variant.
Coding change: c.6410T>C on transcript NM_006648.4 (MANE Select); coding-DNA position 6410, T replaced by C.
Protein change: p.Val2137Ala; replaces valine 2137 with alanine.
Molecular consequence: missense variant.
Genome position (GRCh38, 1-based): chr9:93,308,478, T>C. VCF-style: chr9-93308478-T-C. GRCh37 (hg19) VCF-style: chr9-96070760-T-C.
Other names: c.6521T>C, p.Val2174Ala (NM_001282394.3); short protein forms V2174A, V2137A.
Identifiers: ClinVar variation 4605181 (VCV004605181.1).